The following is an entry in ClinVar:

NM_001707.4(BCL7B):c.597G>C (p.Ala199=)

Gene: BCL7B (BAF chromatin remodeling complex subunit BCL7B; minus strand). Cytogenetic location: 7q11.23.
Variant type: single nucleotide variant.
Coding change: c.597G>C on transcript NM_001707.4 (MANE Select); coding-DNA position 597, G replaced by C.
Protein change: p.Ala199=; no amino-acid change (alanine 199 retained).
Molecular consequence: synonymous variant. On other transcripts: non-coding transcript variant (1).
Genome position (GRCh38, 1-based): chr7:73,537,310, C>G on the plus strand (G>C on the coding strand, the complement: BCL7B is on the minus strand). VCF-style: chr7-73537310-C-G. GRCh37 (hg19) VCF-style: chr7-72951640-C-G.
Other names: c.426G>C, p.Ala142= (NM_001197244.2); c.630G>C, p.Ala210= (NM_001301061.2).
Identifiers: ClinVar variation 2657554 (VCV002657554.24), dbSNP rs142166738, ClinGen allele CA4288141.

ClinVar aggregate classification (germline): Likely benign (1 of 4 stars; one submission).

Allele frequency attached by ClinVar (database versions not stated): 1000 Genomes Project 0.00140; 1000 Genomes Project 30x 0.00141; ESP Exome Variant Server 0.00284.
gnomAD v4.1: 5,809 of 1,614,024 alleles (0.36%); highest among the groups gnomAD compares: Middle Eastern, 0.83%; 18 homozygotes.

Submission:

CeGaT Center for Human Genetics Tuebingen
Classification: Likely benign. Last evaluated: 2022-12-01. Review status: criteria provided, single submitter. Criteria: CeGaT Center For Human Genetics Tuebingen Variant Classification Criteria Version 2. Collection method: clinical testing. Allele origin: germline. Affected: yes. Observed: 1 variant allele.
Comment: BCL7B: BP4, BP7